The following is an entry in ClinVar:

ClinVar aggregate classification (germline): Likely pathogenic (1 of 4 stars; one submission).

Conditions:
Cerebral visual impairment and intellectual disability.

Allele frequency attached by ClinVar (database versions not stated): ExAC 0.00001; gnomAD 0.00001; gnomAD exomes 0.00002.
gnomAD v4.1: 22 of 1,613,856 alleles (0.0014%); highest among the groups gnomAD compares: Admixed American, 0.005%; no homozygotes.

Submission:

Lupski Lab, Baylor-Hopkins CMG, Baylor College of Medicine
Classification: Likely pathogenic for Cerebral visual impairment and intellectual disability. Last evaluated: 2015-09-09. Review status: criteria provided, single submitter. Criteria: Bosch et al. (EJHG 2015). Collection method: research. Allele origin: de novo. Affected: yes. Observed: 1 variant allele, 1 heterozygote.
Comment: This study shows that diverse genetic causes underlie CVI.

NM_018359.5(UFSP2):c.1373A>G (p.Tyr458Cys)

Genes: ANKRD37 (ankyrin repeat domain 37; plus strand), UFSP2 (UFM1 specific peptidase 2; minus strand). Cytogenetic location: 4q35.1.
Variant type: single nucleotide variant.
Coding change: c.1373A>G on transcript NM_018359.5 (MANE Select); coding-DNA position 1373, A replaced by G.
Protein change: p.Tyr458Cys; replaces tyrosine 458 with cysteine.
Molecular consequence: missense variant. On other transcripts: non-coding transcript variant (2).
Genome position (GRCh38, 1-based): chr4:185,400,429, T>C on the plus strand (A>G on the coding strand, the complement: UFSP2 is on the minus strand). VCF-style: chr4-185400429-T-C. GRCh37 (hg19) VCF-style: chr4-186321583-T-C.
Other names: short protein forms Y458C.
Identifiers: ClinVar variation 224821 (VCV000224821.2), dbSNP rs544351411, ClinGen allele CA357910.